The following is an entry in ClinVar:

ClinVar aggregate classification (germline): Uncertain significance. Review status: criteria provided, multiple submitters, no conflicts (2 of 4 stars). 2 submissions from 2 submitters: Uncertain significance (2). Last evaluated 2023-11-18.

Conditions:
Charcot-Marie-Tooth disease type 4. Also called: Charcot-Marie-Tooth, Type 4; Charcot-Marie-Tooth disease, type IV. Identifiers: Orphanet 64749, MedGen C4082197, MONDO:0018995.
Inborn genetic diseases. Identifiers: MedGen C0950123, MeSH D030342.

Allele frequency attached by ClinVar (database versions not stated): ExAC 0.00001; TOPMed 0.00002; gnomAD exomes below 0.00001; gnomAD 0.00001.
gnomAD v4.1: 8 of 1,614,104 alleles (0.0005%); highest among the groups gnomAD compares: Admixed American, 0.005%; no homozygotes.

Submissions (2):

Ambry Genetics
Classification: Uncertain significance for Inborn genetic diseases. Last evaluated: 2023-11-18. Review status: criteria provided, single submitter. Criteria: Ambry Variant Classification Scheme 2023. Collection method: clinical testing. Allele origin: germline.

Labcorp Genetics (formerly Invitae), Labcorp
Classification: Uncertain significance for Charcot-Marie-Tooth disease type 4. Last evaluated: 2022-08-07. Review status: criteria provided, single submitter. Criteria: Invitae Variant Classification Sherloc (09022015). Collection method: clinical testing. Allele origin: germline.
Comment: This sequence change replaces aspartic acid, which is acidic and polar, with glutamic acid, which is acidic and polar, at codon 704 of the FGD4 protein (p.Asp704Glu). This variant is present in population databases (rs751777807, gnomAD 0.003%). This variant has not been reported in the literature in individuals affected with FGD4-related conditions. ClinVar contains an entry for this variant (Variation ID: 1507040). Algorithms developed to predict the effect of missense changes on protein structure and function (SIFT, PolyPhen-2, Align-GVGD) all suggest that this variant is likely to be disruptive. In summary, the available evidence is currently insufficient to determine the role of this variant in disease. Therefore, it has been classified as a Variant of Uncertain Significance.

NM_001370298.3(FGD4):c.2523C>A (p.Asp841Glu)

Gene: FGD4 (FYVE, RhoGEF and PH domain containing 4; plus strand). Cytogenetic location: 12p11.21.
Variant type: single nucleotide variant.
Coding change: c.2523C>A on transcript NM_001370298.3 (MANE Select); coding-DNA position 2523, C replaced by A.
Protein change: p.Asp841Glu; replaces aspartic acid 841 with glutamic acid.
Molecular consequence: missense variant.
Genome position (GRCh38, 1-based): chr12:32,640,344, C>A. VCF-style: chr12-32640344-C-A. GRCh37 (hg19) VCF-style: chr12-32793278-C-A.
Other names: c.2367C>A, p.Asp789Glu (NM_001304481.2); c.1080C>A, p.Asp360Glu (NM_001304484.2); c.1833C>A, p.Asp611Glu (NM_001330373.2, NM_001330374.2, NM_001384130.1); c.1560C>A, p.Asp520Glu (NM_001370297.1); c.2523C>A, p.Asp841Glu (NM_001384126.1); c.2112C>A, p.Asp704Glu (NM_001384127.1, NM_001384128.1, NM_001385118.1 and 1 more transcripts); c.2112C>A (NM_139241.2); short protein forms D520E, D611E, D360E, D704E, D841E, D789E.
Identifiers: ClinVar variation 1507040 (VCV001507040.4), dbSNP rs751777807, ClinGen allele CA6507120.